The following is an entry in ClinVar:

ClinVar aggregate classification (germline): Uncertain significance (1 of 4 stars; one submission).

Submission:

GeneDx
Classification: Uncertain significance. Last evaluated: 2021-12-21. Review status: criteria provided, single submitter. Criteria: GeneDx Variant Classification Process June 2021. Collection method: clinical testing. Allele origin: germline. Affected: yes.
Comment: Not observed at significant frequency in large population cohorts (gnomAD); In silico analysis supports that this variant does not alter splicing; Has not been previously published as pathogenic or benign to our knowledge; Also known as IVS10c-12dup

NM_001042492.3(NF1):c.1642-12dup

Gene: NF1 (neurofibromin 1; plus strand). Cytogenetic location: 17q11.2.
Variant type: Duplication.
Coding change: c.1642-12dup on transcript NM_001042492.3 (MANE Select); 12 bases into the intron before coding-DNA position 1642, one base duplicated (T; older notation c.1642-12dupT).
Molecular consequence: intron variant.
Genome position (GRCh38, 1-based): chr17:31,221,838, T duplicated; the last of 6 consecutive T bases (chr17:31,221,833-31,221,838); duplicating any one gives the same sequence. VCF-style (leftmost placement, unchanged base first): chr17-31221832-C-CT. GRCh37 (hg19) VCF-style: chr17-29548850-C-CT.
Other names: c.1642-12dup (NM_000267.4, NM_001128147.3).
Identifiers: ClinVar variation 1693094 (VCV001693094.2), dbSNP rs2144003305, ClinGen allele CA2573153222.
Genomic context (GRCh38, chr17:31,221,832, plus strand): 5'-TAAGTACTCCAGTGTTATGTTTACCAAAAATGTTTGAGTGAGTCTTCTCTTTGTCTTTCT[C>CT]TTTTTTAAAAAATTCAGGCTCTGCTGGTTCTTCATCAGTTAGATAGCATTGATTTGTGGA-3'